The following is an entry in ClinVar:

NM_001099274.3(TINF2):c.1273C>G (p.Leu425Val)

Gene: TINF2 (TERF1 interacting nuclear factor 2; minus strand). Cytogenetic location: 14q12.
Variant type: single nucleotide variant.
Coding change: c.1273C>G on transcript NM_001099274.3 (MANE Select); coding-DNA position 1273, C replaced by G.
Protein change: p.Leu425Val; replaces leucine 425 with valine.
Molecular consequence: missense variant. On other transcripts: 3 prime UTR variant (1).
Genome position (GRCh38, 1-based): chr14:24,239,880, G>C on the plus strand (C>G on the coding strand, the complement: TINF2 is on the minus strand). VCF-style: chr14-24239880-G-C. GRCh37 (hg19) VCF-style: chr14-24709086-G-C.
Other names: c.1168C>G, p.Leu390Val (NM_001363668.2); c.*535C>G (NM_012461.3); short protein forms L390V, L425V.
Identifiers: ClinVar variation 4280069 (VCV004280069.2).

ClinVar aggregate classification (germline): Uncertain significance. Review status: criteria provided, multiple submitters, no conflicts (2 of 4 stars). 2 submissions from 2 submitters: Uncertain significance (2). Last evaluated 2025-10-10.

Conditions:
Pulmonary fibrosis and/or bone marrow failure, Telomere-related, 1. Also called: PULMONARY FIBROSIS AND/OR BONE MARROW FAILURE SYNDROME, TELOMERE-RELATED, 1. Identifiers: Orphanet 88, MedGen C3553617, MONDO:0013878, OMIM 614742.
Dyskeratosis congenita. Identifiers: Orphanet 1775, MedGen C0265965, MONDO:0015780.

Submissions (2):

Labcorp Genetics (formerly Invitae), Labcorp
Classification: Uncertain significance for Dyskeratosis congenita. Last evaluated: 2025-10-10. Review status: criteria provided, single submitter. Criteria: Invitae Variant Classification Sherloc (09022015). Collection method: clinical testing. Allele origin: germline.
Comment: This sequence change replaces leucine, which is neutral and non-polar, with valine, which is neutral and non-polar, at codon 425 of the TINF2 protein (p.Leu425Val). This variant is not present in population databases (gnomAD no frequency). This variant has not been reported in the literature in individuals affected with TINF2-related conditions. An algorithm developed to predict the effect of missense changes on protein structure and function (PolyPhen-2) suggests that this variant is likely to be tolerated. In summary, the available evidence is currently insufficient to determine the role of this variant in disease. Therefore, it has been classified as a Variant of Uncertain Significance.

Johns Hopkins Genomics, Johns Hopkins University
Classification: Uncertain significance for Pulmonary fibrosis and/or bone marrow failure, Telomere-related, 1. Last evaluated: 2025-02-18. Review status: criteria provided, single submitter. Criteria: ACMG Guidelines, 2015. Collection method: clinical testing. Allele origin: germline.
Comment: This TINF2 missense variant is rare (<0.1%) in a large population dataset (gnomADv4.1.0: 1/1614242 total alleles; 0.00006%; no homozygotes), but has not been reported in ClinVar nor the literature, to our knowledge. Of three bioinformatics tools queried, two predict that the substitution would be tolerated, while one predicts that it would be damaging. The leucine residue at this position is not evolutionarily conserved across the species assessed. We consider the clinical significance of TINF2 c.1273C>G to be uncertain at this time.

Literature cited by the submitters: PubMed 25539146 (cited by Johns Hopkins Genomics, Johns Hopkins University).